The following is an entry in ClinVar:

ClinVar aggregate classification (germline): Pathogenic (1 of 4 stars; one submission).

Conditions:
Asphyxiating thoracic dystrophy 5 (SRTD5). Also called: SHORT-RIB THORACIC DYSPLASIA 5 WITH OR WITHOUT POLYDACTYLY; SHORT-RIB THORACIC DYSPLASIA 5 WITHOUT POLYDACTYLY. Identifiers: Orphanet 474, MedGen C3280598, MONDO:0013717, OMIM 614376.
Senior-Loken syndrome 8 (SLSN8). Identifiers: Orphanet 3156, MedGen C4225376, MONDO:0014579, OMIM 616307.

Submission:

Labcorp Genetics (formerly Invitae), Labcorp
Classification: Pathogenic for Senior-Loken syndrome 8; Asphyxiating thoracic dystrophy 5. Last evaluated: 2023-04-04. Review status: criteria provided, single submitter. Criteria: Invitae Variant Classification Sherloc (09022015). Collection method: clinical testing. Allele origin: germline.
Comment: This sequence change creates a premature translational stop signal (p.Asp276*) in the WDR19 gene. It is expected to result in an absent or disrupted protein product. Loss-of-function variants in WDR19 are known to be pathogenic (PMID: 22019273, 23559409, 23683095, 26275793, 27241786, 29068549). This variant is not present in population databases (gnomAD no frequency). This variant has not been reported in the literature in individuals affected with WDR19-related conditions. For these reasons, this variant has been classified as Pathogenic.

Literature cited by the submitters: PubMed 22019273; PubMed 23559409; PubMed 23683095; PubMed 26275793; PubMed 27241786; PubMed 29068549.

NM_025132.4(WDR19):c.826_827del (p.Lys275_Asp276insTer)

Gene: WDR19 (WD repeat domain 19; plus strand). Cytogenetic location: 4p14.
Variant type: Deletion.
Coding change: c.826_827del on transcript NM_025132.4 (MANE Select); coding-DNA positions 826 to 827, 2 bases deleted (GA; older notation c.826_827delGA).
Protein change: p.Lys275_Asp276insTer.
Molecular consequence: nonsense.
Genome position (GRCh38, 1-based): chr4:39,205,672-39,205,673, GA deleted; deleting any 2 consecutive bases within chr4:39,205,671-39,205,673 gives the same sequence; the c. name uses the placement nearest the transcript's 3' end. VCF-style (leftmost placement, unchanged base first): chr4-39205670-AAG-A. GRCh37 (hg19) VCF-style: chr4-39207290-AAG-A.
Other names: c.346_347del, p.Lys115_Asp116insTer (NM_001317924.2).
Identifiers: ClinVar variation 2922366 (VCV002922366.3), dbSNP rs1727874138, ClinGen allele CA1451994803.